The following is an entry in ClinVar:

ClinVar aggregate classification (germline): Likely benign (1 of 4 stars; one submission).

Allele frequency attached by ClinVar (database versions not stated): 1000 Genomes Project 30x 0.00203; TOPMed 0.00208; 1000 Genomes Project 0.00240.
gnomAD v4.1: 739 of 152,202 alleles (0.49%); highest among the groups gnomAD compares: Non-Finnish European, 0.46%; 12 homozygotes.

Submission:

GeneDx
Classification: Likely benign. Last evaluated: 2018-06-20. Review status: criteria provided, single submitter. Criteria: GeneDx Variant Classification (06012015). Collection method: clinical testing. Allele origin: germline. Affected: yes.
Comment: This variant is considered likely benign or benign based on one or more of the following criteria: it is a conservative change, it occurs at a poorly conserved position in the protein, it is predicted to be benign by multiple in silico algorithms, and/or has population frequency not consistent with disease.

NM_016599.5(MYOZ2):c.76+178C>G

Gene: MYOZ2 (myozenin 2; plus strand). Cytogenetic location: 4q26.
Variant type: single nucleotide variant.
Coding change: c.76+178C>G on transcript NM_016599.5 (MANE Select); 178 bases into the intron after coding-DNA position 76, C replaced by G.
Molecular consequence: intron variant.
Genome position (GRCh38, 1-based): chr4:119,136,779, C>G. VCF-style: chr4-119136779-C-G. GRCh37 (hg19) VCF-style: chr4-120057934-C-G.
Identifiers: ClinVar variation 676022 (VCV000676022.1), dbSNP rs192214959, ClinGen allele CA104969038.